The following is an entry in ClinVar:

NM_002024.6(FMR1):c.498_500del (p.Tyr166_Gln167delinsTer)

Gene: FMR1 (fragile X messenger ribonucleoprotein 1; plus strand). Cytogenetic location: Xq27.3.
Variant type: Deletion.
Coding change: c.498_500del on transcript NM_002024.6 (MANE Select); coding-DNA positions 498 to 500, 3 bases deleted (TCA; older notation c.498_500delTCA).
Protein change: p.Tyr166_Gln167delinsTer.
Molecular consequence: nonsense. On other transcripts: non-coding transcript variant (2).
Genome position (GRCh38, 1-based): chrX:147,930,026-147,930,028, TCA deleted; deleting any 3 consecutive bases within chrX:147,930,025-147,930,028 gives the same sequence; the c. name uses the placement nearest the transcript's 3' end. VCF-style (leftmost placement, unchanged base first): chrX-147930024-TATC-T. GRCh37 (hg19) VCF-style: chrX-147011543-TATC-T.
Other names: c.498_500del, p.Tyr166_Gln167delinsTer (NM_001185076.2, NM_001185081.2, NM_001185082.2 and 1 more transcripts).
Identifiers: ClinVar variation 4293272 (VCV004293272.1).

ClinVar aggregate classification (germline): Likely pathogenic (1 of 4 stars; one submission).

Conditions:
Fragile X syndrome. Also called: MENTAL RETARDATION, X-LINKED, ASSOCIATED WITH marXq28; X-LINKED MENTAL RETARDATION AND MACROORCHIDISM; Fra(X) syndrome; Fragile X Syndrome (FXS); Fragile X syndrome, type A; MARKER X SYNDROME. Identifiers: Orphanet 449291, Orphanet 908, MedGen C0016667, MONDO:0010383, OMIM 300624. Disease mechanism: loss of function.

Submission:

3billion
Classification: Likely pathogenic for Fragile X syndrome. Last evaluated: 2024-08-06. Review status: criteria provided, single submitter. Criteria: ACMG Guidelines, 2015. Collection method: clinical testing. Allele origin: germline. Affected: yes.
Comment: The variant is not observed in the gnomAD v4.0.0 dataset. Predicted Consequence/Location: Stop-gained (nonsense): predicted to result in a loss or disruption of normal protein function through nonsense-mediated decay (NMD) or protein truncation. Multiple pathogenic variants are reported downstream of the variant. Therefore, this variant is classified as Likely pathogenic according to the recommendation of ACMG/AMP guideline.